The following is an entry in ClinVar:

ClinVar aggregate classification (germline): Uncertain significance. Review status: criteria provided, multiple submitters, no conflicts (2 of 4 stars). 2 submissions from 2 submitters: Uncertain significance (2). Last evaluated 2025-01-18.

Conditions:
COL13A1-related disorder. Also called: COL13A1-related condition.

Allele frequency attached by ClinVar (database versions not stated): ExAC 0.00002; gnomAD exomes 0.00002 and 0.00003; TOPMed 0.00002; gnomAD 0.00003.
gnomAD v4.1: 45 of 1,596,620 alleles (0.0028%); highest among the groups gnomAD compares: South Asian, 0.0046%; no homozygotes.

Submissions (2):

PreventionGenetics, part of Exact Sciences
Classification: Uncertain significance for COL13A1-related condition. Last evaluated: 2025-01-18. Review status: criteria provided, single submitter. Criteria: ACMG Guidelines, 2015. Collection method: clinical testing. Allele origin: germline.
Comment: The COL13A1 c.1352A>G variant is predicted to result in the amino acid substitution p.Asn451Ser. To our knowledge, this variant has not been reported in the literature. This variant is reported in 0.0038% of alleles in individuals of South Asian descent in gnomAD. At this time, the clinical significance of this variant is uncertain due to the absence of conclusive functional and genetic evidence.

Labcorp Genetics (formerly Invitae), Labcorp
Classification: Uncertain significance. Last evaluated: 2022-07-01. Review status: criteria provided, single submitter. Criteria: Invitae Variant Classification Sherloc (09022015). Collection method: clinical testing. Allele origin: germline.
Comment: This sequence change replaces asparagine, which is neutral and polar, with serine, which is neutral and polar, at codon 451 of the COL13A1 protein (p.Asn451Ser). This variant is present in population databases (rs772144553, gnomAD 0.004%). This variant has not been reported in the literature in individuals affected with COL13A1-related conditions. ClinVar contains an entry for this variant (Variation ID: 1345267). Algorithms developed to predict the effect of missense changes on protein structure and function output the following: SIFT: "Tolerated"; PolyPhen-2: "Benign"; Align-GVGD: "Class C0". The serine amino acid residue is found in multiple mammalian species, which suggests that this missense change does not adversely affect protein function. Algorithms developed to predict the effect of sequence changes on RNA splicing suggest that this variant may create or strengthen a splice site. In summary, the available evidence is currently insufficient to determine the role of this variant in disease. Therefore, it has been classified as a Variant of Uncertain Significance.

NM_001368882.1(COL13A1):c.1385A>G (p.Asn462Ser)

Gene: COL13A1 (collagen type XIII alpha 1 chain; plus strand). Cytogenetic location: 10q22.1.
Variant type: single nucleotide variant.
Coding change: c.1385A>G on transcript NM_001368882.1 (MANE Select); coding-DNA position 1385, A replaced by G.
Protein change: p.Asn462Ser; replaces asparagine 462 with serine.
Molecular consequence: missense variant.
Genome position (GRCh38, 1-based): chr10:69,925,859, A>G. VCF-style: chr10-69925859-A-G. GRCh37 (hg19) VCF-style: chr10-71685615-A-G.
Other names: c.1352A>G (NM_001130103.1); c.1181A>G, p.Asn394Ser (NM_001368898.1, NM_080798.4, NM_001368896.1); c.1295A>G, p.Asn432Ser (NM_080800.4, NM_001368895.1); c.1286A>G, p.Asn429Ser (NM_080801.4, NM_080802.4, NM_001368885.1); c.1199A>G, p.Asn400Ser (NM_080805.4); c.1352A>G, p.Asn451Ser (NM_001130103.2); c.1322A>G, p.Asn441Ser (NM_001320951.2, NM_001368884.1); c.1349A>G, p.Asn450Ser (NM_001368883.1); and 2 more; short protein forms N432S, N462S, N400S, N450S, N451S, N241S, N394S, N441S.
Identifiers: ClinVar variation 1345267 (VCV001345267.4), dbSNP rs772144553, ClinGen allele CA5534708.